The following is an entry in ClinVar:

NM_000038.6(APC):c.135+859A>G

Gene: APC (APC regulator of WNT signaling pathway; plus strand). Cytogenetic location: 5q22.2.
Variant type: single nucleotide variant.
Coding change: c.135+859A>G on transcript NM_000038.6 (MANE Select); 859 bases into the intron after coding-DNA position 135, A replaced by G.
Molecular consequence: intron variant.
Genome position (GRCh38, 1-based): chr5:112,755,884, A>G. VCF-style: chr5-112755884-A-G. GRCh37 (hg19) VCF-style: chr5-112091581-A-G.
Other names: c.135+859A>G (NM_001354895.2, NM_001127510.3, NM_001354896.2 and 2 more transcripts); c.166-10442A>G (NM_001354897.2, NM_001354902.2, NM_001127511.3); c.61-10442A>G (NM_001354898.2, NM_001354904.2); c.-901+859A>G (NM_001354906.2); c.-42-10442A>G (NM_001354900.2, NM_001354901.2, NM_001354905.2).
Identifiers: ClinVar variation 82364 (VCV000082364.2), dbSNP rs74438587, ClinGen allele CA004436.

ClinVar aggregate classification (germline): other (0 of 4 stars; one submission).

Conditions:
Familial colorectal cancer. Identifiers: MedGen CN280943, MONDO:0023113. Disease mechanism: loss of function.

Submission:

Systems Biology Platform Zhejiang California International NanoSystems Institute
Classification: other for Familial colorectal cancer. Review status: no assertion criteria provided. Collection method: not provided. Allele origin: unknown.
ClinVar note: Converted during submission from cancer to other.